The following is an entry in ClinVar:

NM_006946.4(SPTBN2):c.1906C>T (p.Arg636Trp)

Gene: SPTBN2 (spectrin beta, non-erythrocytic 2; minus strand). Cytogenetic location: 11q13.2.
Variant type: single nucleotide variant.
Coding change: c.1906C>T on transcript NM_006946.4 (MANE Select); coding-DNA position 1906, C replaced by T.
Protein change: p.Arg636Trp; replaces arginine 636 with tryptophan.
Molecular consequence: missense variant.
Genome position (GRCh38, 1-based): chr11:66,705,370, G>A on the plus strand (C>T on the coding strand, the complement: SPTBN2 is on the minus strand). VCF-style: chr11-66705370-G-A. GRCh37 (hg19) VCF-style: chr11-66472841-G-A.
Other names: short protein forms R636W.
Identifiers: ClinVar variation 448484 (VCV000448484.15), dbSNP rs773155491, ClinGen allele CA6129219.

ClinVar aggregate classification (germline): Conflicting classifications of pathogenicity. Review status: criteria provided, conflicting classifications (1 of 4 stars). 4 submissions from 4 submitters: Uncertain significance (2); Likely benign (2). Last evaluated 2025-06-09.

Conditions:
Inborn genetic diseases. Identifiers: MedGen C0950123, MeSH D030342.

Allele frequency attached by ClinVar (database versions not stated): gnomAD 0.00004; ExAC 0.00009; TOPMed 0.00009; gnomAD exomes 0.00010.
gnomAD v4.1: 75 of 1,612,298 alleles (0.0047%); highest among the groups gnomAD compares: Admixed American, 0.035%; no homozygotes.

Submissions (4):

Ambry Genetics
Classification: Uncertain significance for Inborn genetic diseases. Last evaluated: 2025-06-09. Review status: criteria provided, single submitter. Criteria: Ambry Variant Classification Scheme 2023. Collection method: clinical testing. Allele origin: germline.
Comment: Unlikely to be causative of SPTBN2-related spinocerebellar ataxia (AD) Based on insufficient or conflicting evidence, the clinical significance of this alteration remains unclear.

Labcorp Genetics (formerly Invitae), Labcorp
Classification: Likely benign. Last evaluated: 2025-04-23. Review status: criteria provided, single submitter. Criteria: Invitae Variant Classification Sherloc (09022015). Collection method: clinical testing. Allele origin: germline.

GeneDx
Classification: Uncertain significance. Last evaluated: 2019-08-29. Review status: criteria provided, single submitter. Criteria: GeneDx Variant Classification Process June 2021. Collection method: clinical testing. Allele origin: germline. Affected: yes.
Comment: Has not been previously published as pathogenic or benign to our knowledge; In silico analysis, which includes protein predictors and evolutionary conservation, supports a deleterious effect

Athena Diagnostics
Classification: Likely benign. Last evaluated: 2018-09-26. Review status: criteria provided, single submitter. Criteria: Athena Diagnostics Criteria. Collection method: clinical testing. Allele origin: germline.